The following is an entry in ClinVar:

NM_001273.5(CHD4):c.5014G>A (p.Val1672Met)

Genes: CHD4 (chromodomain helicase DNA binding protein 4; minus strand), CHD4-AS1 (CHD4 antisense RNA 1; plus strand). Cytogenetic location: 12p13.31.
Variant type: single nucleotide variant.
Coding change: c.5014G>A on transcript NM_001273.5 (MANE Select); coding-DNA position 5014, G replaced by A.
Protein change: p.Val1672Met; replaces valine 1672 with methionine.
Molecular consequence: missense variant.
Genome position (GRCh38, 1-based): chr12:6,578,514, C>T on the plus strand (G>A on the coding strand, the complement: CHD4 is on the minus strand). VCF-style: chr12-6578514-C-T. GRCh37 (hg19) VCF-style: chr12-6687680-C-T.
Other names: c.5014G>A (NM_001273.3); c.4993G>A, p.Val1665Met (NM_001297553.2); c.4981G>A, p.Val1661Met (NM_001363606.2); short protein forms V1661M, V1665M, V1672M.
Identifiers: ClinVar variation 4753537 (VCV004753537.2).

ClinVar aggregate classification (germline): Uncertain significance. Review status: criteria provided, multiple submitters, no conflicts (2 of 4 stars). 2 submissions from 2 submitters: Uncertain significance (2). Last evaluated 2026-08-18.

Conditions:
CHD4-related disorder. Also called: CHD4-related condition.

Submissions (2):

PreventionGenetics, part of Exact Sciences
Classification: Uncertain significance for CHD4-related condition. Last evaluated: 2026-08-18. Review status: criteria provided, single submitter. Criteria: ACMG Guidelines, 2015. Collection method: clinical testing. Allele origin: germline.
Comment: The CHD4 c.5014G>A variant is predicted to result in the amino acid substitution p.Val1672Met. To our knowledge, this variant has not been reported in the literature or in a large population database (gnomAD), indicating this variant is rare. At this time, the clinical significance of this variant is uncertain due to the absence of conclusive functional and genetic evidence.

Labcorp Genetics (formerly Invitae), Labcorp
Classification: Uncertain significance. Last evaluated: 2025-07-29. Review status: criteria provided, single submitter. Criteria: Invitae Variant Classification Sherloc (09022015). Collection method: clinical testing. Allele origin: germline.
Comment: This sequence change replaces valine, which is neutral and non-polar, with methionine, which is neutral and non-polar, at codon 1672 of the CHD4 protein (p.Val1672Met). This variant is not present in population databases (gnomAD no frequency). This variant has not been reported in the literature in individuals affected with CHD4-related conditions. Invitae Evidence Modeling of protein sequence and biophysical properties (such as structural, functional, and spatial information, amino acid conservation, physicochemical variation, residue mobility, and thermodynamic stability) indicates that this missense variant is not expected to disrupt CHD4 protein function with a negative predictive value of 80%. In summary, the available evidence is currently insufficient to determine the role of this variant in disease. Therefore, it has been classified as a Variant of Uncertain Significance.